The following is an entry in ClinVar:

NM_001261826.3(AP3D1):c.1955G>A (p.Arg652His)

Gene: AP3D1 (adaptor related protein complex 3 subunit delta 1; minus strand). Cytogenetic location: 19p13.3.
Variant type: single nucleotide variant.
Coding change: c.1955G>A on transcript NM_001261826.3 (MANE Select); coding-DNA position 1955, G replaced by A.
Protein change: p.Arg652His; replaces arginine 652 with histidine.
Molecular consequence: missense variant.
Genome position (GRCh38, 1-based): chr19:2,116,651, C>T on the plus strand (G>A on the coding strand, the complement: AP3D1 is on the minus strand). VCF-style: chr19-2116651-C-T. GRCh37 (hg19) VCF-style: chr19-2116650-C-T.
Other names: c.1955G>A (NM_003938.5); c.1955G>A, p.Arg652His (NM_001374799.1, NM_003938.8); short protein forms R652H.
Identifiers: ClinVar variation 1911068 (VCV001911068.6), dbSNP rs764644332, ClinGen allele CA9059112.

ClinVar aggregate classification (germline): Conflicting classifications of pathogenicity. Review status: criteria provided, conflicting classifications (1 of 4 stars). 2 submissions from 2 submitters: Uncertain significance (1); Likely benign (1). Last evaluated 2025-11-26.

Conditions:
Inborn genetic diseases. Identifiers: MedGen C0950123, MeSH D030342.

Allele frequency attached by ClinVar (database versions not stated): TOPMed below 0.00001; ExAC 0.00001; gnomAD 0.00001.
gnomAD v4.1: 14 of 1,604,268 alleles (0.00087%); highest among the groups gnomAD compares: East Asian, 0.013%; no homozygotes.

Submissions (2):

Labcorp Genetics (formerly Invitae), Labcorp
Classification: Uncertain significance. Last evaluated: 2025-11-26. Review status: criteria provided, single submitter. Criteria: Invitae Variant Classification Sherloc (09022015). Collection method: clinical testing. Allele origin: germline.
Comment: This sequence change replaces arginine, which is basic and polar, with histidine, which is basic and polar, at codon 652 of the AP3D1 protein (p.Arg652His). This variant is present in population databases (rs764644332, gnomAD 0.006%). This variant has not been reported in the literature in individuals affected with AP3D1-related conditions. ClinVar contains an entry for this variant (Variation ID: 1911068). An algorithm developed to predict the effect of missense changes on protein structure and function outputs the following: PolyPhen-2: "Benign". The histidine amino acid residue is found in multiple mammalian species, which suggests that this missense change does not adversely affect protein function. In summary, the available evidence is currently insufficient to determine the role of this variant in disease. Therefore, it has been classified as a Variant of Uncertain Significance.

Ambry Genetics
Classification: Likely benign for Inborn genetic diseases. Last evaluated: 2024-08-02. Review status: criteria provided, single submitter. Criteria: Ambry Variant Classification Scheme 2023. Collection method: clinical testing. Allele origin: germline.